The following is an entry in ClinVar:

ClinVar aggregate classification (germline): Uncertain significance (1 of 4 stars; one submission).

gnomAD v4.1: 12 of 1,614,164 alleles (0.00074%); highest among the groups gnomAD compares: Non-Finnish European, 0.001%; no homozygotes.

Submission:

Women's Health and Genetics/Laboratory Corporation of America, LabCorp
Classification: Uncertain significance. Last evaluated: 2024-07-03. Review status: criteria provided, single submitter. Criteria: LabCorp Variant Classification Summary - May 2015. Collection method: clinical testing. Allele origin: germline.
Comment: Variant summary: CCDC141 c.3145A>G (p.Lys1049Glu) results in a conservative amino acid change in the encoded protein sequence. Four of four in-silico tools predict a benign effect of the variant on protein function. The variant allele was found at a frequency of 1.2e-05 in 251296 control chromosomes. The available data on variant occurrences in the general population are insufficient to allow any conclusion about variant significance. To our knowledge, no occurrence of c.3145A>G in individuals affected with CCDC141-Related Disorders and no experimental evidence demonstrating its impact on protein function have been reported. No submitters have cited clinical-significance assessments for this variant to ClinVar. Based on the evidence outlined above, the variant was classified as uncertain significance.

NM_173648.4(CCDC141):c.3145A>G (p.Lys1049Glu)

Gene: CCDC141 (coiled-coil domain containing 141; minus strand). Cytogenetic location: 2q31.2.
Variant type: single nucleotide variant.
Coding change: c.3145A>G on transcript NM_173648.4 (MANE Select); coding-DNA position 3145, A replaced by G.
Protein change: p.Lys1049Glu; replaces lysine 1049 with glutamic acid.
Molecular consequence: missense variant.
Genome position (GRCh38, 1-based): chr2:178,853,540, T>C on the plus strand (A>G on the coding strand, the complement: CCDC141 is on the minus strand). VCF-style: chr2-178853540-T-C. GRCh37 (hg19) VCF-style: chr2-179718267-T-C.
Other names: short protein forms K1049E.
Identifiers: ClinVar variation 3339162 (VCV003339162.1).